The following is an entry in ClinVar:

ClinVar aggregate classification (germline): Conflicting classifications of pathogenicity. Review status: criteria provided, conflicting classifications (1 of 4 stars). 3 submissions from 3 submitters: Uncertain significance (2); Likely benign (1). Last evaluated 2026-02-26.

Conditions:
Cardiovascular phenotype. Identifiers: MedGen CN230736.
Long QT syndrome (LQTS). Identifiers: MedGen C0023976, MeSH D008133, MONDO:0002442. Disease mechanism: loss of function. Inheritance: Various modes of inheritance.
KCNJ5-related disorder. Also called: KCNJ5-related condition.

Allele frequency attached by ClinVar (database versions not stated): gnomAD 0.00001; ExAC 0.00003; gnomAD exomes 0.00004; TOPMed 0.00004.
gnomAD v4.1: 61 of 1,608,026 alleles (0.0038%); highest among the groups gnomAD compares: Middle Eastern, 0.05%; no homozygotes.

Submissions (3):

PreventionGenetics, part of Exact Sciences
Classification: Uncertain significance for KCNJ5-related condition. Last evaluated: 2026-02-26. Review status: criteria provided, single submitter. Criteria: ACMG Guidelines, 2015. Collection method: clinical testing. Allele origin: germline.
Comment: The KCNJ5 c.724C>T variant is predicted to result in the amino acid substitution p.Arg242Trp. To our knowledge, this variant has not been reported in the literature in individuals with KCNJ5-related disorders. This variant is reported in 0.017% of alleles in individuals of South Asian descent in gnomAD. Although we suspect that this variant may be benign, at this time, the clinical significance of this variant is uncertain due to the absence of conclusive functional and genetic evidence.

Labcorp Genetics (formerly Invitae), Labcorp
Classification: Uncertain significance for Long QT syndrome. Last evaluated: 2025-08-19. Review status: criteria provided, single submitter. Criteria: Invitae Variant Classification Sherloc (09022015). Collection method: clinical testing. Allele origin: germline.
Comment: This sequence change replaces arginine, which is basic and polar, with tryptophan, which is neutral and slightly polar, at codon 242 of the KCNJ5 protein (p.Arg242Trp). The frequency data for this variant in the population databases is considered unreliable, as metrics indicate poor data quality at this position in the gnomAD database. This variant has not been reported in the literature in individuals affected with KCNJ5-related conditions. ClinVar contains an entry for this variant (Variation ID: 947956). Invitae Evidence Modeling of protein sequence and biophysical properties (such as structural, functional, and spatial information, amino acid conservation, physicochemical variation, residue mobility, and thermodynamic stability) indicates that this missense variant is not expected to disrupt KCNJ5 protein function with a negative predictive value of 80%. In summary, the available evidence is currently insufficient to determine the role of this variant in disease. Therefore, it has been classified as a Variant of Uncertain Significance.

Ambry Genetics
Classification: Likely benign for Cardiovascular phenotype. Last evaluated: 2023-06-09. Review status: criteria provided, single submitter. Criteria: Ambry Variant Classification Scheme 2023. Collection method: clinical testing. Allele origin: germline.

Literature cited by the submitters: PubMed 24123366 (cited by Ambry Genetics).

NM_000890.5(KCNJ5):c.724C>T (p.Arg242Trp)

Gene: KCNJ5 (potassium inwardly rectifying channel subfamily J member 5; plus strand). Cytogenetic location: 11q24.3.
Variant type: single nucleotide variant.
Coding change: c.724C>T on transcript NM_000890.5 (MANE Select); coding-DNA position 724, C replaced by T.
Protein change: p.Arg242Trp; replaces arginine 242 with tryptophan.
Molecular consequence: missense variant.
Genome position (GRCh38, 1-based): chr11:128,911,997, C>T. VCF-style: chr11-128911997-C-T. GRCh37 (hg19) VCF-style: chr11-128781892-C-T.
Other names: c.724C>T, p.Arg242Trp (NM_001354169.2); short protein forms R242W.
Identifiers: ClinVar variation 947956 (VCV000947956.9), dbSNP rs576156828, ClinGen allele CA6357924.